The following is an entry in ClinVar:

ClinVar aggregate classification (germline): Uncertain significance (0 of 4 stars; one submission).

Conditions:
MDN1-related disorder. Also called: MDN1-related condition.

gnomAD v4.1: 1 of 1,613,978 alleles (0.000062%); highest among the groups gnomAD compares: East Asian, 0.0022%; no homozygotes.

Submission:

PreventionGenetics, part of Exact Sciences
Classification: Uncertain significance for MDN1-related condition. Last evaluated: 2024-09-15. Review status: no assertion criteria provided. Collection method: clinical testing. Allele origin: germline.
Comment: The MDN1 c.5221A>G variant is predicted to result in the amino acid substitution p.Arg1741Gly. To our knowledge, this variant has not been reported in the literature or in a large population database, indicating this variant is rare. At this time, the clinical significance of this variant is uncertain due to the absence of conclusive functional and genetic evidence.

NM_014611.3(MDN1):c.5221A>G (p.Arg1741Gly)

Gene: MDN1 (midasin AAA ATPase 1; minus strand). Cytogenetic location: 6q15.
Variant type: single nucleotide variant.
Coding change: c.5221A>G on transcript NM_014611.3 (MANE Select); coding-DNA position 5221, A replaced by G.
Protein change: p.Arg1741Gly; replaces arginine 1741 with glycine.
Molecular consequence: missense variant.
Genome position (GRCh38, 1-based): chr6:89,729,059, T>C on the plus strand (A>G on the coding strand, the complement: MDN1 is on the minus strand). VCF-style: chr6-89729059-T-C. GRCh37 (hg19) VCF-style: chr6-90438778-T-C.
Other names: short protein forms R1741G.
Identifiers: ClinVar variation 3345692 (VCV003345692.1).